The following is an entry in ClinVar:

NM_014754.3(PTDSS1):c.1214A>T (p.Tyr405Phe)

Gene: PTDSS1 (phosphatidylserine synthase 1; plus strand). Cytogenetic location: 8q22.1.
Variant type: single nucleotide variant.
Coding change: c.1214A>T on transcript NM_014754.3 (MANE Select); coding-DNA position 1214, A replaced by T.
Protein change: p.Tyr405Phe; replaces tyrosine 405 with phenylalanine.
Molecular consequence: missense variant.
Genome position (GRCh38, 1-based): chr8:96,330,253, A>T. VCF-style: chr8-96330253-A-T. GRCh37 (hg19) VCF-style: chr8-97342481-A-T.
Other names: c.776A>T, p.Tyr259Phe (NM_001290225.2); short protein forms Y259F, Y405F.
Identifiers: ClinVar variation 1419837 (VCV001419837.8), dbSNP rs916463087, ClinGen allele CA371758394.

ClinVar aggregate classification (germline): Uncertain significance (1 of 4 stars; one submission).

Submission:

Labcorp Genetics (formerly Invitae), Labcorp
Classification: Uncertain significance. Last evaluated: 2021-05-31. Review status: criteria provided, single submitter. Criteria: Invitae Variant Classification Sherloc (09022015). Collection method: clinical testing. Allele origin: germline.
Comment: In summary, the available evidence is currently insufficient to determine the role of this variant in disease. Therefore, it has been classified as a Variant of Uncertain Significance. Algorithms developed to predict the effect of missense changes on protein structure and function (SIFT, PolyPhen-2, Align-GVGD) all suggest that this variant is likely to be tolerated, but these predictions have not been confirmed by published functional studies and their clinical significance is uncertain. This variant has not been reported in the literature in individuals with PTDSS1-related conditions. This variant is not present in population databases (ExAC no frequency). This sequence change replaces tyrosine with phenylalanine at codon 405 of the PTDSS1 protein (p.Tyr405Phe). The tyrosine residue is highly conserved and there is a small physicochemical difference between tyrosine and phenylalanine.